The following is an entry in ClinVar:

NM_000057.4(BLM):c.988A>G (p.Arg330Gly)

Gene: BLM (BLM RecQ like helicase; plus strand). Cytogenetic location: 15q26.1.
Variant type: single nucleotide variant.
Coding change: c.988A>G on transcript NM_000057.4 (MANE Select); coding-DNA position 988, A replaced by G.
Protein change: p.Arg330Gly; replaces arginine 330 with glycine.
Molecular consequence: missense variant. On other transcripts: 5 prime UTR variant (1).
Genome position (GRCh38, 1-based): chr15:90,754,839, A>G. VCF-style: chr15-90754839-A-G. GRCh37 (hg19) VCF-style: chr15-91298069-A-G.
Other names: c.988A>G, p.Arg330Gly (NM_001287246.2, NM_001287247.2); c.-304A>G (NM_001287248.2); short protein forms R330G.
Identifiers: ClinVar variation 3017297 (VCV003017297.4), dbSNP rs1895775011, ClinGen allele CA393842038.

ClinVar aggregate classification (germline): Uncertain significance. Review status: criteria provided, multiple submitters, no conflicts (2 of 4 stars). 2 submissions from 2 submitters: Uncertain significance (2). Last evaluated 2024-10-17.

Conditions:
Hereditary cancer-predisposing syndrome. Also called: Neoplastic Syndromes, Hereditary; Tumor predisposition; Hereditary neoplastic syndrome; Hereditary Cancer Syndrome. Identifiers: Orphanet 140162, MedGen C0027672, MeSH D009386, MONDO:0015356.
Bloom syndrome (BLM). Also called: Bloom-Torre-Machacek syndrome. Identifiers: Orphanet 125, MedGen C0005859, MONDO:0008876, OMIM 210900.

Allele frequency attached by ClinVar (database versions not stated): TOPMed below 0.00001.

Submissions (2):

Ambry Genetics
Classification: Uncertain significance for Hereditary cancer-predisposing syndrome. Last evaluated: 2024-10-17. Review status: criteria provided, single submitter. Criteria: Ambry Variant Classification Scheme 2023. Collection method: clinical testing. Allele origin: germline.
Comment: The p.R330G variant (also known as c.988A>G), located in coding exon 4 of the BLM gene, results from an A to G substitution at nucleotide position 988. The arginine at codon 330 is replaced by glycine, an amino acid with dissimilar properties. This amino acid position is conserved. In addition, this alteration is predicted to be tolerated by in silico analysis. Based on the available evidence, the clinical significance of this variant remains unclear.

Labcorp Genetics (formerly Invitae), Labcorp
Classification: Uncertain significance for Bloom syndrome. Last evaluated: 2023-02-05. Review status: criteria provided, single submitter. Criteria: Invitae Variant Classification Sherloc (09022015). Collection method: clinical testing. Allele origin: germline.
Comment: Algorithms developed to predict the effect of missense changes on protein structure and function output the following: SIFT: "Tolerated"; PolyPhen-2: "Benign"; Align-GVGD: "Class C0". The glycine amino acid residue is found in multiple mammalian species, which suggests that this missense change does not adversely affect protein function. This sequence change replaces arginine, which is basic and polar, with glycine, which is neutral and non-polar, at codon 330 of the BLM protein (p.Arg330Gly). This variant is not present in population databases (gnomAD no frequency). This variant has not been reported in the literature in individuals affected with BLM-related conditions. In summary, the available evidence is currently insufficient to determine the role of this variant in disease. Therefore, it has been classified as a Variant of Uncertain Significance.